The following is an entry in ClinVar:

ClinVar aggregate classification (germline): Uncertain significance (1 of 4 stars; one submission).

Conditions:
MELAS syndrome (MELAS). Also called: Juvenile myopathy, encephalopathy, lactic acidosis, stroke. Identifiers: Orphanet 550, MedGen C0162671, MONDO:0010789, OMIM 540000.

Submission:

Wong Mito Lab, Molecular and Human Genetics, Baylor College of Medicine
Classification: Uncertain significance for MELAS syndrome. Last evaluated: 2019-07-12. Review status: criteria provided, single submitter. Criteria: Modified ACMG Guidelines (Unpublished). Collection method: clinical testing. Allele origin: germline.
Comment: The NC_012920.1:m.14681G>A variant in MT-TE gene is interpreted to be a Unknown Significance variant based on the modified ACMG guidelines (unpublished). This variant meets the following evidence codes reported in the guidelines: PP3, PP7

Literature cited by the submitters: PubMed 31965079.

NC_012920.1(MT-TE):m.14681G>A

Gene: MT-TE (mitochondrially encoded tRNA glutamic acid; minus strand).
Variant type: single nucleotide variant.
Genome position: chrM-14681-G-A.
Identifiers: ClinVar variation 690198 (VCV000690198.1), dbSNP rs1603224827, ClinGen allele CA913171798.